The following is an entry in ClinVar:

NM_005502.4(ABCA1):c.664C>T (p.Leu222=)

Gene: ABCA1 (ATP binding cassette subfamily A member 1; minus strand). Cytogenetic location: 9q31.1.
Variant type: single nucleotide variant.
Coding change: c.664C>T on transcript NM_005502.4 (MANE Select); coding-DNA position 664, C replaced by T.
Protein change: p.Leu222=; no amino-acid change (leucine 222 retained).
Molecular consequence: synonymous variant.
Genome position (GRCh38, 1-based): chr9:104,858,578, G>A on the plus strand (C>T on the coding strand, the complement: ABCA1 is on the minus strand). VCF-style: chr9-104858578-G-A. GRCh37 (hg19) VCF-style: chr9-107620859-G-A.
Other names: p.Leu222=.
Identifiers: ClinVar variation 364457 (VCV000364457.8), dbSNP rs778130619, ClinGen allele CA5169326.

ClinVar aggregate classification (germline): Conflicting classifications of pathogenicity. Review status: criteria provided, conflicting classifications (1 of 4 stars). 5 submissions from 4 submitters: Uncertain significance (1); Likely benign (4). Last evaluated 2026-01-04.

Conditions:
Hypoalphalipoproteinemia, primary, 1. Identifiers: Orphanet 425, MedGen C5231558, MONDO:0011393, OMIM 604091.
Tangier disease (TGD). Also called: HIGH DENSITY LIPOPROTEIN DEFICIENCY, TANGIER TYPE; HIGH DENSITY LIPOPROTEIN DEFICIENCY, TYPE 1; Cholesterol thesaurismosis. Identifiers: Orphanet 31150, MedGen C0039292, MONDO:0008783, OMIM 205400.
Cardiovascular phenotype. Identifiers: MedGen CN230736.

Allele frequency attached by ClinVar (database versions not stated): TOPMed 0.00002; ExAC 0.00003; gnomAD 0.00003; gnomAD exomes 0.00004.
gnomAD v4.1: 75 of 1,614,058 alleles (0.0046%); highest among the groups gnomAD compares: Middle Eastern, 0.016%; no homozygotes.

Submissions (5):

Labcorp Genetics (formerly Invitae), Labcorp
Classification: Likely benign. Last evaluated: 2026-01-04. Review status: criteria provided, single submitter. Criteria: Invitae Variant Classification Sherloc (09022015). Collection method: clinical testing. Allele origin: germline.

Mayo Clinic Laboratories, Mayo Clinic
Classification: Likely benign. Last evaluated: 2025-12-06. Review status: criteria provided, single submitter. Criteria: ACMG Guidelines, 2015. Collection method: clinical testing. Allele origin: germline. Observed: 1 variant allele.
Comment: BP4, BP7

Ambry Genetics
Classification: Likely benign for Cardiovascular phenotype. Last evaluated: 2024-10-15. Review status: criteria provided, single submitter. Criteria: Ambry Variant Classification Scheme 2023. Collection method: clinical testing. Allele origin: germline.

Illumina Laboratory Services, Illumina
Classification: Likely benign for Hypoalphalipoproteinemia, primary, 1. Last evaluated: 2018-01-12. Review status: criteria provided, single submitter. Criteria: ICSL Variant Classification Criteria 13 December 2019. Collection method: clinical testing. Allele origin: germline.
Comment: This variant was observed in the ICSL laboratory as part of a predisposition screen in an ostensibly healthy population. It had not been previously curated by ICSL or reported in the Human Gene Mutation Database (HGMD: prior to June 1st, 2018), and was therefore a candidate for classification through an automated scoring system. Utilizing variant allele frequency, disease prevalence and penetrance estimates, and inheritance mode, an automated score was calculated to assess if this variant is too frequent to cause the disease. Based on the score and internal cut-off values, a variant classified as likely benign is not then subjected to further curation. The score for this variant resulted in a classification of likely benign for this disease.

Illumina Laboratory Services, Illumina
Classification: Uncertain significance for Tangier disease. Last evaluated: 2018-01-12. Review status: criteria provided, single submitter. Criteria: ICSL Variant Classification Criteria 13 December 2019. Collection method: clinical testing. Allele origin: germline.